The following is an entry in ClinVar:

ClinVar aggregate classification (germline): Uncertain significance. Review status: criteria provided, single submitter (1 of 4 stars). 2 submissions from 2 submitters: Uncertain significance (1). 1 of the submissions does not count toward it. Last evaluated 2023-12-31.

Conditions:
Hereditary cancer-predisposing syndrome. Also called: Neoplastic Syndromes, Hereditary; Tumor predisposition; Hereditary neoplastic syndrome; Hereditary Cancer Syndrome. Identifiers: Orphanet 140162, MedGen C0027672, MeSH D009386, MONDO:0015356.
Fanconi anemia (FA). Also called: Fanconi's anemia. Identifiers: Orphanet 84, MedGen C0015625, MeSH D005199, MONDO:0019391.

Submissions (2):

Ambry Genetics
Classification: Uncertain significance for Hereditary cancer-predisposing syndrome. Last evaluated: 2023-12-31. Review status: criteria provided, single submitter. Criteria: Ambry Variant Classification Scheme 2023. Collection method: clinical testing. Allele origin: germline.
Comment: The p.A547T variant (also known as c.1639G>A), located in coding exon 14 of the FANCC gene, results from a G to A substitution at nucleotide position 1639. The alanine at codon 547 is replaced by threonine, an amino acid with similar properties. This amino acid position is conserved. In addition, this alteration is predicted to be tolerated by in silico analysis. Since supporting evidence is limited at this time, the clinical significance of this alteration remains unclear.

Natera, Inc.
Classification: Uncertain significance for Fanconi anemia. Last evaluated: 2025-04-10. Review status: no assertion criteria provided. Collection method: clinical testing. Allele origin: germline. Not counted in ClinVar's aggregate classification.

NM_000136.3(FANCC):c.1639G>A (p.Ala547Thr)

Genes: FANCC (FA complementation group C; minus strand), AOPEP (aminopeptidase O (putative); plus strand). Cytogenetic location: 9q22.32.
Variant type: single nucleotide variant.
Coding change: c.1639G>A on transcript NM_000136.3 (MANE Select); coding-DNA position 1639, G replaced by A.
Protein change: p.Ala547Thr; replaces alanine 547 with threonine.
Molecular consequence: missense variant.
Genome position (GRCh38, 1-based): chr9:95,101,745, C>T on the plus strand (G>A on the coding strand, the complement: FANCC is on the minus strand). VCF-style: chr9-95101745-C-T. GRCh37 (hg19) VCF-style: chr9-97864027-C-T.
Other names: c.1639G>A, p.Ala547Thr (NM_001243743.2); short protein forms A547T.
Identifiers: ClinVar variation 3230370 (VCV003230370.2), dbSNP rs2540749459, ClinGen allele CA374104329.
Genomic context (GRCh38, chr9:95,101,745, plus strand): 5'-ACCCACACGGCCTGCGTGCCTTCTAGACTTGAGTTCGCAGCTCTTTAAGGAGCTCTCGGG[C>T]CAGTTTTTCTGATCTAGGGCTTTCAATGCCAAGACGATTCCATCTGTACAAGGTCTGGTC-3'
Protein context (NP_000127.2, residues 537-557): GIESPRSEKL[Ala547Thr]RELLKELRTQ